The following is an entry in ClinVar:

ClinVar aggregate classification (germline): Uncertain significance (1 of 4 stars; one submission).

Allele frequency attached by ClinVar (database versions not stated): ExAC 0.00001.
gnomAD v4.1: 7 of 1,608,718 alleles (0.00044%); highest among the groups gnomAD compares: South Asian, 0.0077%; no homozygotes.

Submission:

Labcorp Genetics (formerly Invitae), Labcorp
Classification: Uncertain significance. Last evaluated: 2022-12-31. Review status: criteria provided, single submitter. Criteria: Invitae Variant Classification Sherloc (09022015). Collection method: clinical testing. Allele origin: germline.
Comment: The frequency data for this variant in the population databases is considered unreliable, as metrics indicate poor data quality at this position in the gnomAD database. In summary, the available evidence is currently insufficient to determine the role of this variant in disease. Therefore, it has been classified as a Variant of Uncertain Significance. Advanced modeling of protein sequence and biophysical properties (such as structural, functional, and spatial information, amino acid conservation, physicochemical variation, residue mobility, and thermodynamic stability) performed at Invitae indicates that this missense variant is expected to disrupt CAPN5 protein function. This variant has not been reported in the literature in individuals affected with CAPN5-related conditions. This sequence change replaces arginine, which is basic and polar, with leucine, which is neutral and non-polar, at codon 435 of the CAPN5 protein (p.Arg435Leu).

NM_004055.5(CAPN5):c.1304G>T (p.Arg435Leu)

Gene: CAPN5 (calpain 5; plus strand). Cytogenetic location: 11q13.5.
Variant type: single nucleotide variant.
Coding change: c.1304G>T on transcript NM_004055.5 (MANE Select); coding-DNA position 1304, G replaced by T.
Protein change: p.Arg435Leu; replaces arginine 435 with leucine.
Molecular consequence: missense variant.
Genome position (GRCh38, 1-based): chr11:77,120,726, G>T. VCF-style: chr11-77120726-G-T. GRCh37 (hg19) VCF-style: chr11-76831772-G-T.
Other names: c.1424G>T, p.Arg475Leu (NM_001425321.1); c.1304G>T, p.Arg435Leu (NM_001425322.1); c.1172G>T, p.Arg391Leu (NM_001425323.1); short protein forms R391L, R435L, R475L.
Identifiers: ClinVar variation 2871076 (VCV002871076.3), dbSNP rs781926169, ClinGen allele CA6196772.